The following is an entry in ClinVar:

ClinVar aggregate classification (germline): Benign/Likely benign. Review status: criteria provided, multiple submitters, no conflicts (2 of 4 stars). 3 submissions from 3 submitters: Benign (1); Likely benign (2). Last evaluated 2025-09-29.

Conditions:
Colorectal cancer, susceptibility to, 12 (CRCS12). Also called: COLORECTAL CANCER, SUSCEPTIBILITY TO, ON CHROMOSOME 12q24. Identifiers: Orphanet 220460, MedGen C3554460, MONDO:0014038, OMIM 615083.

Submissions (3):

Quest Diagnostics Nichols Institute San Juan Capistrano
Classification: Likely benign. Last evaluated: 2025-09-29. Review status: criteria provided, single submitter. Criteria: Quest Diagnostics criteria. Collection method: clinical testing. Allele origin: unknown.

Myriad Genetics, Inc.
Classification: Benign for Colorectal cancer, susceptibility to, 12. Last evaluated: 2025-02-10. Review status: criteria provided, single submitter. Criteria: Myriad Autosomal Dominant, Autosomal Recessive and X-Linked Classification Criteria (2023). Collection method: clinical testing. Allele origin: unknown.
Comment: This variant is considered benign. This variant is a silent/synonymous amino acid change and it is not expected to impact splicing.

Labcorp Genetics (formerly Invitae), Labcorp
Classification: Likely benign. Last evaluated: 2022-04-21. Review status: criteria provided, single submitter. Criteria: Invitae Variant Classification Sherloc (09022015). Collection method: clinical testing. Allele origin: germline.

NM_006231.4(POLE):c.1164C>A (p.Gly388=)

Gene: POLE (DNA polymerase epsilon, catalytic subunit; minus strand). Cytogenetic location: 12q24.33.
Variant type: single nucleotide variant.
Coding change: c.1164C>A on transcript NM_006231.4 (MANE Select); coding-DNA position 1164, C replaced by A.
Protein change: p.Gly388=; no amino-acid change (glycine 388 retained).
Molecular consequence: synonymous variant.
Genome position (GRCh38, 1-based): chr12:132,675,460, G>T on the plus strand (C>A on the coding strand, the complement: POLE is on the minus strand). VCF-style: chr12-132675460-G-T. GRCh37 (hg19) VCF-style: chr12-133252046-G-T.
Identifiers: ClinVar variation 2128747 (VCV002128747.6), dbSNP rs559197871, ClinGen allele CA482849686.